The following is an entry in ClinVar:

NM_001844.5(COL2A1):c.1525del (p.Arg509fs)

Gene: COL2A1 (collagen type II alpha 1 chain; minus strand). Cytogenetic location: 12q13.11.
Variant type: Deletion.
Coding change: c.1525del on transcript NM_001844.5 (MANE Select); coding-DNA position 1525, one base deleted (A; older notation c.1525delA).
Protein change: p.Arg509fs; shifts the reading frame from arginine 509.
Molecular consequence: frameshift variant.
Genome position (GRCh38, 1-based): chr12:47,986,338, T deleted on the plus strand (A on the coding strand, the reverse complement: COL2A1 is on the minus strand); the first of 3 consecutive T bases (chr12:47,986,338-47,986,340); deleting any one gives the same sequence. VCF-style (leftmost placement, unchanged base first): chr12-47986337-CT-C. GRCh37 (hg19) VCF-style: chr12-48380120-CT-C.
Other names: c.1318del, p.Arg440fs (NM_033150.3); short protein forms R509fs, R440fs.
Identifiers: ClinVar variation 4997550 (VCV004997550.1).

ClinVar aggregate classification (germline): Pathogenic (1 of 4 stars; one submission).

Conditions:
COL2A1-related disorder. Also called: COL2A1-related condition; COL2A1-related disorders.

Submission:

PreventionGenetics, part of Exact Sciences
Classification: Pathogenic for COL2A1-related condition. Last evaluated: 2025-01-27. Review status: criteria provided, single submitter. Criteria: ACMG Guidelines, 2015. Collection method: clinical testing. Allele origin: germline.
Comment: The COL2A1 c.1525delA variant is predicted to result in a frameshift and premature protein termination (p.Arg509Glufs*120). To our knowledge, this variant has not been reported in the literature. This variant is absent in a large population database (gnomAD), indicating this variant is rare. Frameshift variants in COL2A1 are an established mechanism of disease. This variant is interpreted as pathogenic.